The following is an entry in ClinVar:

NM_032387.5(WNK4):c.2962-39C>T

Gene: WNK4 (WNK lysine deficient protein kinase 4; plus strand). Cytogenetic location: 17q21.2.
Variant type: single nucleotide variant.
Coding change: c.2962-39C>T on transcript NM_032387.5 (MANE Select); 39 bases into the intron before coding-DNA position 2962, C replaced by T.
Molecular consequence: intron variant.
Genome position (GRCh38, 1-based): chr17:42,795,422, C>T. VCF-style: chr17-42795422-C-T. GRCh37 (hg19) VCF-style: chr17-40947440-C-T.
Other names: c.1954-39C>T (NM_001321299.2).
Identifiers: ClinVar variation 1297227 (VCV001297227.3), dbSNP rs2290040, ClinGen allele CA8584476.

ClinVar aggregate classification (germline): Benign. Review status: criteria provided, multiple submitters, no conflicts (2 of 4 stars). 2 submissions from 2 submitters: Benign (2). Last evaluated 2021-05-20.

Allele frequency attached by ClinVar (database versions not stated): ESP Exome Variant Server 0.00115; gnomAD exomes 0.00586 and 0.01903; gnomAD 0.00727 and 0.00927; TOPMed 0.01015; ExAC 0.01756; 1000 Genomes Project 30x 0.03763; 1000 Genomes Project 0.04073.
gnomAD v4.1: 10,343 of 1,614,160 alleles (0.64%); highest among the groups gnomAD compares: East Asian, 13%; 492 homozygotes.

Submissions (2):

GeneDx
Classification: Benign. Last evaluated: 2021-05-20. Review status: criteria provided, single submitter. Criteria: GeneDx Variant Classification Process June 2021. Collection method: clinical testing. Allele origin: germline. Affected: yes.
Comment: This variant is associated with the following publications: (PMID: 15309683)

Breakthrough Genomics
Classification: Benign. Review status: criteria provided, single submitter. Criteria: ACMG Guidelines, 2015. Collection method: not provided. Allele origin: germline. Inheritance: Autosomal dominant inheritance. Affected: yes.